The following is an entry in ClinVar:

NM_024675.4(PALB2):c.2221G>A (p.Gly741Ser)

Gene: PALB2 (partner and localizer of BRCA2; minus strand). Cytogenetic location: 16p12.2.
Variant type: single nucleotide variant.
Coding change: c.2221G>A on transcript NM_024675.4 (MANE Select); coding-DNA position 2221, G replaced by A.
Protein change: p.Gly741Ser; replaces glycine 741 with serine.
Molecular consequence: missense variant.
Genome position (GRCh38, 1-based): chr16:23,629,933, C>T on the plus strand (G>A on the coding strand, the complement: PALB2 is on the minus strand). VCF-style: chr16-23629933-C-T. GRCh37 (hg19) VCF-style: chr16-23641254-C-T.
Other names: short protein forms G741S.
Identifiers: ClinVar variation 484177 (VCV000484177.21), dbSNP rs1555460440, ClinGen allele CA395125550.

ClinVar aggregate classification (germline): Conflicting classifications of pathogenicity. Review status: criteria provided, conflicting classifications (1 of 4 stars). 5 submissions from 5 submitters: Uncertain significance (3); Likely benign (1). 1 of the submissions does not count toward it. Last evaluated 2024-08-07.

Conditions:
Hereditary cancer-predisposing syndrome. Also called: Neoplastic Syndromes, Hereditary; Tumor predisposition; Hereditary Cancer Syndrome; Hereditary neoplastic syndrome. Identifiers: Orphanet 140162, MedGen C0027672, MeSH D009386, MONDO:0015356.
Familial cancer of breast. Also called: BREAST CANCER, FAMILIAL; Hereditary breast cancer; hereditary breast carcinoma. Identifiers: Orphanet 227535, MedGen C0346153, MONDO:0016419, OMIM 114480. Disease mechanism: loss of function.

Submissions (5):

Labcorp Genetics (formerly Invitae), Labcorp
Classification: Uncertain significance for Familial cancer of breast. Last evaluated: 2024-08-07. Review status: criteria provided, single submitter. Criteria: Invitae Variant Classification Sherloc (09022015). Collection method: clinical testing. Allele origin: germline.
Comment: This sequence change replaces glycine, which is neutral and non-polar, with serine, which is neutral and polar, at codon 741 of the PALB2 protein (p.Gly741Ser). This variant is not present in population databases (gnomAD no frequency). This variant has not been reported in the literature in individuals affected with PALB2-related conditions. ClinVar contains an entry for this variant (Variation ID: 484177). Advanced modeling of protein sequence and biophysical properties (such as structural, functional, and spatial information, amino acid conservation, physicochemical variation, residue mobility, and thermodynamic stability) performed at Invitae indicates that this missense variant is not expected to disrupt PALB2 protein function with a negative predictive value of 80%. In summary, the available evidence is currently insufficient to determine the role of this variant in disease. Therefore, it has been classified as a Variant of Uncertain Significance.

Ambry Genetics
Classification: Likely benign for Hereditary cancer-predisposing syndrome. Last evaluated: 2024-03-21. Review status: criteria provided, single submitter. Criteria: Ambry Variant Classification Scheme 2023. Collection method: clinical testing. Allele origin: germline.

Color Diagnostics, LLC DBA Color Health
Classification: Uncertain significance for Hereditary cancer-predisposing syndrome. Last evaluated: 2023-11-21. Review status: criteria provided, single submitter. Criteria: ACMG Guidelines, 2015. Collection method: clinical testing. Allele origin: germline.
Comment: This missense variant replaces glycine with serine at codon 741 of the PALB2 protein. Computational prediction suggests that this variant may not impact protein structure and function. To our knowledge, functional studies have not been reported for this variant. This variant has been reported three case-control studies for breast, pancreatic and prostate cancer, in which this variant was absent in cancer cases and was detected in one unaffected individual in each study (PMID: 30287823, 31214711, 32980694). This variant has not been identified in the general population by the Genome Aggregation Database (gnomAD). The available evidence is insufficient to determine the role of this variant in disease conclusively. Therefore, this variant is classified as a Variant of Uncertain Significance.

Baylor Genetics
Classification: Uncertain significance for Familial cancer of breast. Last evaluated: 2023-05-01. Review status: criteria provided, single submitter. Criteria: ACMG Guidelines, 2015. Collection method: clinical testing. Allele origin: unknown.

Leiden Open Variation Database
Classification: Uncertain significance. Last evaluated: 2018-08-25. Review status: no assertion criteria provided. Collection method: curation. Allele origin: germline. Affected: yes. Not counted in ClinVar's aggregate classification.
Comment: Curators: Marc Tischkowitz, Arleen D. Auerbach. Submitter to LOVD: Yukihide Momozawa.

Literature cited by the submitters: PubMed 30287823 (cited by 3 submitters); PubMed 31214711 (cited by Color Diagnostics, LLC DBA Color Health); PubMed 32980694 (cited by Color Diagnostics, LLC DBA Color Health).